The following is an entry in ClinVar:

ClinVar aggregate classification (germline): Uncertain significance (1 of 4 stars; one submission).

Conditions:
Kabuki syndrome. Also called: NIIKAWA-KUROKI SYNDROME; Kabuki make-up syndrome. Identifiers: Orphanet 2322, MedGen C0796004, MONDO:0016512.

Submission:

Labcorp Genetics (formerly Invitae), Labcorp
Classification: Uncertain significance for Kabuki syndrome. Last evaluated: 2023-03-26. Review status: criteria provided, single submitter. Criteria: Invitae Variant Classification Sherloc (09022015). Collection method: clinical testing. Allele origin: germline.
Comment: This sequence change replaces alanine, which is neutral and non-polar, with glutamic acid, which is acidic and polar, at codon 3593 of the KMT2D protein (p.Ala3593Glu). This variant is not present in population databases (gnomAD no frequency). This variant has not been reported in the literature in individuals affected with KMT2D-related conditions. Advanced modeling of protein sequence and biophysical properties (such as structural, functional, and spatial information, amino acid conservation, physicochemical variation, residue mobility, and thermodynamic stability) performed at Invitae indicates that this missense variant is not expected to disrupt KMT2D protein function. In summary, the available evidence is currently insufficient to determine the role of this variant in disease. Therefore, it has been classified as a Variant of Uncertain Significance.

NM_003482.4(KMT2D):c.10778C>A (p.Ala3593Glu)

Gene: KMT2D (lysine methyltransferase 2D; minus strand). Cytogenetic location: 12q13.12.
Variant type: single nucleotide variant.
Coding change: c.10778C>A on transcript NM_003482.4 (MANE Select); coding-DNA position 10778, C replaced by A.
Protein change: p.Ala3593Glu; replaces alanine 3593 with glutamic acid.
Molecular consequence: missense variant.
Genome position (GRCh38, 1-based): chr12:49,033,927, G>T on the plus strand (C>A on the coding strand, the complement: KMT2D is on the minus strand). VCF-style: chr12-49033927-G-T. GRCh37 (hg19) VCF-style: chr12-49427710-G-T.
Other names: short protein forms A3593E.
Identifiers: ClinVar variation 3021659 (VCV003021659.3), dbSNP rs2120449273, ClinGen allele CA384726272.